The following is an entry in ClinVar:

ClinVar aggregate classification (germline): Uncertain significance (1 of 4 stars; one submission).

Conditions:
Osteogenesis imperfecta type I (OI1). Also called: Lobstein disease; OI, TYPE I; OSTEOGENESIS IMPERFECTA TARDA; OSTEOGENESIS IMPERFECTA WITH BLUE SCLERAE; Osteogenesis imperfecta type 1; Lobstein's Disease. Identifiers: Orphanet 216796, Orphanet 666, MedGen C0023931, MONDO:0008146, OMIM 166200. Disease mechanism: loss of function.
Ehlers-Danlos syndrome, classic type, 1 (EDSCL1). Also called: EDS I; EHLERS-DANLOS SYNDROME, GRAVIS TYPE; EHLERS-DANLOS SYNDROME, SEVERE CLASSIC TYPE; Ehlers-Danlos syndrome, type 1; Ehlers-Danlos Syndrome, Classic Type, COL5A1-Related. Identifiers: MedGen C0268335, MONDO:0019567, OMIM 130000.

Allele frequency attached by ClinVar (database versions not stated): gnomAD exomes below 0.00001.
gnomAD v4.1: 1 of 1,607,682 alleles (0.000062%); highest among the groups gnomAD compares: Non-Finnish European, 0.000085%; no homozygotes.

Submission:

Labcorp Genetics (formerly Invitae), Labcorp
Classification: Uncertain significance for Osteogenesis imperfecta type I; Ehlers-Danlos syndrome, classic type, 1. Last evaluated: 2023-01-28. Review status: criteria provided, single submitter. Criteria: Invitae Variant Classification Sherloc (09022015). Collection method: clinical testing. Allele origin: germline.
Comment: Advanced modeling of protein sequence and biophysical properties (such as structural, functional, and spatial information, amino acid conservation, physicochemical variation, residue mobility, and thermodynamic stability) has been performed at Invitae for this missense variant, however the output from this modeling did not meet the statistical confidence thresholds required to predict the impact of this variant on COL1A2 protein function. In summary, the available evidence is currently insufficient to determine the role of this variant in disease. Therefore, it has been classified as a Variant of Uncertain Significance. This variant has not been reported in the literature in individuals affected with COL1A2-related conditions. This variant is not present in population databases (gnomAD no frequency). This sequence change replaces arginine, which is basic and polar, with glycine, which is neutral and non-polar, at codon 1017 of the COL1A2 protein (p.Arg1017Gly).

NM_000089.4(COL1A2):c.3049A>G (p.Arg1017Gly)

Gene: COL1A2 (collagen type I alpha 2 chain; plus strand). Cytogenetic location: 7q21.3.
Variant type: single nucleotide variant.
Coding change: c.3049A>G on transcript NM_000089.4 (MANE Select); coding-DNA position 3049, A replaced by G.
Protein change: p.Arg1017Gly; replaces arginine 1017 with glycine.
Molecular consequence: missense variant.
Genome position (GRCh38, 1-based): chr7:94,426,474, A>G. VCF-style: chr7-94426474-A-G. GRCh37 (hg19) VCF-style: chr7-94055786-A-G.
Other names: short protein forms R1017G.
Identifiers: ClinVar variation 2943699 (VCV002943699.3), dbSNP rs2484736310, ClinGen allele CA368225161.